The following is an entry in ClinVar:

ClinVar aggregate classification (germline): Uncertain significance (1 of 4 stars; one submission).

Conditions:
Inborn genetic diseases. Identifiers: MedGen C0950123, MeSH D030342.

Submission:

Ambry Genetics
Classification: Uncertain significance for Inborn genetic diseases. Last evaluated: 2025-10-28. Review status: criteria provided, single submitter. Criteria: Ambry Variant Classification Scheme 2023. Collection method: clinical testing. Allele origin: germline.
Comment: The p.D668G variant (also known as c.2003A>G), located in coding exon 1 of the SAMD9L gene, results from an A to G substitution at nucleotide position 2003. The aspartic acid at codon 668 is replaced by glycine, an amino acid with similar properties. This amino acid position is conserved. In addition, this alteration is predicted to be tolerated by in silico analysis. Based on the available evidence, the clinical significance of this variant remains unclear.

NM_152703.5(SAMD9L):c.2003A>G (p.Asp668Gly)

Gene: SAMD9L (sterile alpha motif domain containing 9 like; minus strand). Cytogenetic location: 7q21.2.
Variant type: single nucleotide variant.
Coding change: c.2003A>G on transcript NM_152703.5 (MANE Select); coding-DNA position 2003, A replaced by G.
Protein change: p.Asp668Gly; replaces aspartic acid 668 with glycine.
Molecular consequence: missense variant.
Genome position (GRCh38, 1-based): chr7:93,133,969, T>C on the plus strand (A>G on the coding strand, the complement: SAMD9L is on the minus strand). VCF-style: chr7-93133969-T-C. GRCh37 (hg19) VCF-style: chr7-92763282-T-C.
Other names: c.2003A>G, p.Asp668Gly (NM_001303496.3, NM_001303497.3, NM_001303498.3 and 5 more transcripts); short protein forms D668G.
Identifiers: ClinVar variation 4630088 (VCV004630088.1).
Genomic context (GRCh38, chr7:93,133,969, plus strand): 5'-TAAAAGTGTTCTTCTTTTGATTTCTTAAACTCCAGGAATTTAGATTTGTCTTTCTCGATG[T>C]CTGTCTCTGTACACTCATTTTCACAGAGGATTTCCAGTGCAGTCAAGACATCCTCTTTCT-3'
Protein context (NP_689916.2, residues 658-678): ILCENECTET[Asp668Gly]IEKDKSKFLE